The following is an entry in ClinVar:

NM_004364.5(CEBPA):c.572A>T (p.His191Leu)

Gene: CEBPA (CCAAT enhancer binding protein alpha; minus strand). Cytogenetic location: 19q13.11.
Variant type: single nucleotide variant.
Coding change: c.572A>T on transcript NM_004364.5 (MANE Select); coding-DNA position 572, A replaced by T.
Protein change: p.His191Leu; replaces histidine 191 with leucine.
Molecular consequence: missense variant.
Genome position (GRCh38, 1-based): chr19:33,301,843, T>A on the plus strand (A>T on the coding strand, the complement: CEBPA is on the minus strand). VCF-style: chr19-33301843-T-A. GRCh37 (hg19) VCF-style: chr19-33792749-T-A.
Other names: c.215A>T, p.His72Leu (NM_001285829.2); c.677A>T, p.His226Leu (NM_001287424.2); c.530A>T, p.His177Leu (NM_001287435.2); short protein forms H177L, H226L, H191L, H72L.
Identifiers: ClinVar variation 2168344 (VCV002168344.5), dbSNP rs2513330385, ClinGen allele CA405274667.
Genomic context (GRCh38, chr19:33,301,843, plus strand): 5'-GCGATCTGGAACTGCAGGTGCGGGGCGGCCAGGTGCGCGGGCGGCGGGTGCGGGTGCGGG[T>A]GCGAGGGCGGCGGCGGCGGCGGCGGCTGGTAAGGGAAGAGGCCGGCCAGCGCCAGCTGCT-3'
Protein context (NP_004355.2, residues 181-201): YQPPPPPPPS[His191Leu]PHPHPPPAHL

ClinVar aggregate classification (germline): Uncertain significance. Review status: criteria provided, multiple submitters, no conflicts (2 of 4 stars). 2 submissions from 2 submitters: Uncertain significance (2). Last evaluated 2025-09-17.

Conditions:
Acute myeloid leukemia (AML). Also called: Acute myeloid leukemia, adult; AML adult; Acute non-lymphocytic leukemia; Acute granulocytic leukemia; Leukemia, acute myeloid, somatic; Leukemia, acute myelogenous, somatic. Identifiers: Orphanet 519, MedGen C0023467, MeSH D015470, MONDO:0018874, OMIM 601626, HP:0004808. Disease mechanism: Constitutively activated FLT3.
Inborn genetic diseases. Identifiers: MedGen C0950123, MeSH D030342.

Submissions (2):

Ambry Genetics
Classification: Uncertain significance for Inborn genetic diseases. Last evaluated: 2025-09-17. Review status: criteria provided, single submitter. Criteria: Ambry Variant Classification Scheme 2023. Collection method: clinical testing. Allele origin: germline.
Comment: The p.H191L variant (also known as c.572A>T), located in coding exon 1 of the CEBPA gene, results from an A to T substitution at nucleotide position 572. The histidine at codon 191 is replaced by leucine, an amino acid with similar properties. This amino acid position is conserved. In addition, this alteration is predicted to be tolerated by in silico analysis. Based on the available evidence, the clinical significance of this variant remains unclear.

Labcorp Genetics (formerly Invitae), Labcorp
Classification: Uncertain significance for Acute myeloid leukemia. Last evaluated: 2022-10-08. Review status: criteria provided, single submitter. Criteria: Invitae Variant Classification Sherloc (09022015). Collection method: clinical testing. Allele origin: germline.
Comment: In summary, the available evidence is currently insufficient to determine the role of this variant in disease. Therefore, it has been classified as a Variant of Uncertain Significance. Algorithms developed to predict the effect of missense changes on protein structure and function (SIFT, PolyPhen-2, Align-GVGD) all suggest that this variant is likely to be tolerated. This variant has not been reported in the literature in individuals affected with CEBPA-related conditions. This variant is not present in population databases (gnomAD no frequency). This sequence change replaces histidine, which is basic and polar, with leucine, which is neutral and non-polar, at codon 191 of the CEBPA protein (p.His191Leu).